The following is an entry in ClinVar:

ClinVar aggregate classification (germline): Uncertain significance (1 of 4 stars; one submission).

Submission:

Ambry Genetics
Classification: Uncertain significance. Last evaluated: 2024-09-08. Review status: criteria provided, single submitter. Criteria: Ambry Variant Classification Scheme 2023. Collection method: clinical testing. Allele origin: germline.
Comment: The p.K58R variant (also known as c.173A>G), located in coding exon 2 of the POLQ gene, results from an A to G substitution at nucleotide position 173. The lysine at codon 58 is replaced by arginine, an amino acid with highly similar properties. This amino acid position is conserved. In addition, this alteration is predicted to be tolerated by in silico analysis. Based on the available evidence, the clinical significance of this variant remains unclear.

NM_199420.4(POLQ):c.173A>G (p.Lys58Arg)

Gene: POLQ (DNA polymerase theta; minus strand). Cytogenetic location: 3q13.33.
Variant type: single nucleotide variant.
Coding change: c.173A>G on transcript NM_199420.4 (MANE Select); coding-DNA position 173, A replaced by G.
Protein change: p.Lys58Arg; replaces lysine 58 with arginine.
Molecular consequence: missense variant.
Genome position (GRCh38, 1-based): chr3:121,544,897, T>C on the plus strand (A>G on the coding strand, the complement: POLQ is on the minus strand). VCF-style: chr3-121544897-T-C. GRCh37 (hg19) VCF-style: chr3-121263744-T-C.
Other names: short protein forms K58R.
Identifiers: ClinVar variation 3422537 (VCV003422537.1).